The following is an entry in ClinVar:

NM_001173467.3(SP7):c.1084C>T (p.Arg362Cys)

Gene: SP7 (Sp7 transcription factor; minus strand). Cytogenetic location: 12q13.13.
Variant type: single nucleotide variant.
Coding change: c.1084C>T on transcript NM_001173467.3 (MANE Select); coding-DNA position 1084, C replaced by T.
Protein change: p.Arg362Cys; replaces arginine 362 with cysteine.
Molecular consequence: missense variant.
Genome position (GRCh38, 1-based): chr12:53,328,358, G>A on the plus strand (C>T on the coding strand, the complement: SP7 is on the minus strand). VCF-style: chr12-53328358-G-A. GRCh37 (hg19) VCF-style: chr12-53722142-G-A.
Other names: c.1030C>T, p.Arg344Cys (NM_001300837.2); c.1084C>T, p.Arg362Cys (NM_152860.2); short protein forms R344C, R362C.
Identifiers: ClinVar variation 1918913 (VCV001918913.2), dbSNP rs1361199996, ClinGen allele CA385051417.

ClinVar aggregate classification (germline): Uncertain significance (1 of 4 stars; one submission).

Allele frequency attached by ClinVar (database versions not stated): gnomAD 0.00005; TOPMed 0.00007.
gnomAD v4.1: 42 of 1,613,014 alleles (0.0026%); highest among the groups gnomAD compares: Admixed American, 0.025%; no homozygotes.

Submission:

Labcorp Genetics (formerly Invitae), Labcorp
Classification: Uncertain significance. Last evaluated: 2022-03-26. Review status: criteria provided, single submitter. Criteria: Invitae Variant Classification Sherloc (09022015). Collection method: clinical testing. Allele origin: germline.
Comment: This sequence change replaces arginine, which is basic and polar, with cysteine, which is neutral and slightly polar, at codon 362 of the SP7 protein (p.Arg362Cys). This variant is present in population databases (no rsID available, gnomAD 0.02%). This variant has not been reported in the literature in individuals affected with SP7-related conditions. Algorithms developed to predict the effect of missense changes on protein structure and function (SIFT, PolyPhen-2, Align-GVGD) all suggest that this variant is likely to be disruptive. In summary, the available evidence is currently insufficient to determine the role of this variant in disease. Therefore, it has been classified as a Variant of Uncertain Significance.